The following is an entry in ClinVar:

NM_182914.3(SYNE2):c.19279G>A (p.Gly6427Ser)

Gene: SYNE2 (spectrin repeat containing nuclear envelope protein 2; plus strand). Cytogenetic location: 14q23.2.
Variant type: single nucleotide variant.
Coding change: c.19279G>A on transcript NM_182914.3 (MANE Select); coding-DNA position 19279, G replaced by A.
Protein change: p.Gly6427Ser; replaces glycine 6427 with serine.
Molecular consequence: missense variant.
Genome position (GRCh38, 1-based): chr14:64,214,416, G>A. VCF-style: chr14-64214416-G-A. GRCh37 (hg19) VCF-style: chr14-64681134-G-A.
Other names: c.19279G>A, p.Gly6427Ser (NM_015180.6); c.181G>A, p.Gly61Ser (NM_182913.4); short protein forms G61S, G6427S.
Identifiers: ClinVar variation 3662258 (VCV003662258.2).

ClinVar aggregate classification (germline): Uncertain significance (1 of 4 stars; one submission).

Conditions:
Emery-Dreifuss muscular dystrophy 5, autosomal dominant (EDMD5). Also called: EMERY-DREIFUSS MUSCULAR DYSTROPHY 5. Identifiers: Orphanet 261, MedGen C2751805, MONDO:0013072, OMIM 612999.

gnomAD v4.1: 2 of 1,613,950 alleles (0.00012%); highest among the groups gnomAD compares: African/African-American, 0.0013%; no homozygotes.

Submission:

Labcorp Genetics (formerly Invitae), Labcorp
Classification: Uncertain significance for Emery-Dreifuss muscular dystrophy 5, autosomal dominant. Last evaluated: 2024-08-31. Review status: criteria provided, single submitter. Criteria: Invitae Variant Classification Sherloc (09022015). Collection method: clinical testing. Allele origin: germline.
Comment: This sequence change replaces glycine, which is neutral and non-polar, with serine, which is neutral and polar, at codon 6427 of the SYNE2 protein (p.Gly6427Ser). This variant is not present in population databases (gnomAD no frequency). This variant has not been reported in the literature in individuals affected with SYNE2-related conditions. An algorithm developed to predict the effect of missense changes on protein structure and function (PolyPhen-2) suggests that this variant is likely to be disruptive. In summary, the available evidence is currently insufficient to determine the role of this variant in disease. Therefore, it has been classified as a Variant of Uncertain Significance.